The following is an entry in ClinVar:

NM_001009944.3(PKD1):c.4168C>T (p.Gln1390Ter)

Gene: PKD1 (polycystin 1, transient receptor potential channel interacting; minus strand). Cytogenetic location: 16p13.3.
Variant type: single nucleotide variant.
Coding change: c.4168C>T on transcript NM_001009944.3 (MANE Select); coding-DNA position 4168, C replaced by T.
Protein change: p.Gln1390Ter; replaces glutamine 1390 with a stop codon.
Molecular consequence: nonsense.
Genome position (GRCh38, 1-based): chr16:2,110,999, G>A on the plus strand (C>T on the coding strand, the complement: PKD1 is on the minus strand). VCF-style: chr16-2110999-G-A. GRCh37 (hg19) VCF-style: chr16-2161000-G-A.
Other names: c.4168C>T, p.Gln1390Ter (NM_000296.4); short protein forms Q1390*.
Identifiers: ClinVar variation 997218 (VCV000997218.2), dbSNP rs2092487764, ClinGen allele CA394381332.

ClinVar aggregate classification (germline): Pathogenic. Review status: criteria provided, single submitter (1 of 4 stars). 2 submissions from 2 submitters: Pathogenic (1). 1 of the submissions does not count toward it. Last evaluated 2023-09-21.

Conditions:
Polycystic kidney disease. Also called: Kidney, Polycystic; Polycystic kidney dysplasia. Identifiers: MedGen C0022680, MeSH D007690, MONDO:0020642, HP:0000113.
PKD1-related disorder. Also called: PKD1-related condition.

Submissions (2):

Blueprint Genetics
Classification: Pathogenic for PKD1-related disorders. Last evaluated: 2023-09-21. Review status: criteria provided, single submitter. Criteria: ACMG Guidelines, 2015. Collection method: clinical testing. Allele origin: germline. Affected: yes. Observed: 1 variant allele.

Department of Pathology and Laboratory Medicine, Sinai Health System
Classification: Pathogenic for Polycystic Kidney disease. Review status: no assertion criteria provided. Collection method: clinical testing. Allele origin: unknown. Affected: yes. Study: The Canadian Open Genetics Repository (COGR). Not counted in ClinVar's aggregate classification.
Comment: The PKD1 p.Gln1390* variant was not identified in the literature nor was it identified in the dbSNP, ClinVar, ADPKD Mutation Database, and PKD1-LOVD databases. The variant was identified in LOVD 3.0 (1X). The variant was also not identified in the following control databases: the Exome Aggregation Consortium (August 8th 2016), or the Genome Aggregation Database (Feb 27, 2017). The c.4168C>T variant leads to a premature stop codon at position 1390 which is predicted to lead to a truncated or absent protein and loss of function. Loss of function variants of the PKD1 gene are an established mechanism of disease in autosomal dominant polycystic kidney disease and is the type of variant expected to cause the disorder. In summary, based on the above information this variant meets our laboratoryâ€šÃ„Ã´s criteria to be classified as pathogenic.